The following is an entry in ClinVar:

ClinVar aggregate classification (germline): Uncertain significance. Review status: criteria provided, multiple submitters, no conflicts (2 of 4 stars). 3 submissions from 3 submitters: Uncertain significance (3). Last evaluated 2024-06-11.

Conditions:
Primary ciliary dyskinesia. Also called: Ciliary dyskinesia. Identifiers: Orphanet 244, MedGen C0008780, MONDO:0016575, HP:0012265.

Allele frequency attached by ClinVar (database versions not stated): 1000 Genomes Project 30x 0.00016; ExAC 0.00017; gnomAD exomes 0.00019 and 0.00036; gnomAD 0.00036 and 0.00041; 1000 Genomes Project 0.00020; TOPMed 0.00039; ESP Exome Variant Server 0.00054.
gnomAD v4.1: 587 of 1,603,952 alleles (0.037%); highest among the groups gnomAD compares: African/African-American, 0.085%; 1 homozygote.

Submissions (3):

Ambry Genetics
Classification: Uncertain significance. Last evaluated: 2024-06-11. Review status: criteria provided, single submitter. Criteria: Ambry Variant Classification Scheme 2023. Collection method: clinical testing. Allele origin: germline.

Molecular Genetics McLendon Clinical Laboratories, University of North Carolina at Chapel Hill
Classification: Uncertain significance for Primary ciliary dyskinesia. Last evaluated: 2024-05-07. Review status: criteria provided, single submitter. Criteria: ACMG Guidelines, 2015. Collection method: clinical testing. Allele origin: germline.

Labcorp Genetics (formerly Invitae), Labcorp
Classification: Uncertain significance for Primary ciliary dyskinesia. Last evaluated: 2022-09-01. Review status: criteria provided, single submitter. Criteria: Invitae Variant Classification Sherloc (09022015). Collection method: clinical testing. Allele origin: germline.
Comment: This sequence change replaces arginine, which is basic and polar, with glutamine, which is neutral and polar, at codon 4219 of the DNAH8 protein (p.Arg4219Gln). This variant is present in population databases (rs144808884, gnomAD 0.08%). This missense change has been observed in individual(s) with features of primary ciliary dyskinesia (Invitae). ClinVar contains an entry for this variant (Variation ID: 407304). Algorithms developed to predict the effect of missense changes on protein structure and function are either unavailable or do not agree on the potential impact of this missense change (SIFT: "Deleterious"; PolyPhen-2: "Not Available"; Align-GVGD: "Class C0"). In summary, the available evidence is currently insufficient to determine the role of this variant in disease. Therefore, it has been classified as a Variant of Uncertain Significance.

NM_001206927.2(DNAH8):c.12656G>A (p.Arg4219Gln)

Gene: DNAH8 (dynein axonemal heavy chain 8; plus strand). Cytogenetic location: 6p21.2.
Variant type: single nucleotide variant.
Coding change: c.12656G>A on transcript NM_001206927.2 (MANE Select); coding-DNA position 12656, G replaced by A.
Protein change: p.Arg4219Gln; replaces arginine 4219 with glutamine.
Molecular consequence: missense variant.
Genome position (GRCh38, 1-based): chr6:38,973,791, G>A. VCF-style: chr6-38973791-G-A. GRCh37 (hg19) VCF-style: chr6-38941567-G-A.
Other names: c.12005G>A, p.Arg4002Gln (NM_001371.4); short protein forms R4219Q, R4002Q.
Identifiers: ClinVar variation 407304 (VCV000407304.9), dbSNP rs144808884, ClinGen allele CA3791424.